The following is an entry in ClinVar:

NM_000383.4(AIRE):c.7del (p.Thr3fs)

Gene: AIRE (autoimmune regulator; plus strand). Cytogenetic location: 21q22.3.
Variant type: Deletion.
Coding change: c.7del on transcript NM_000383.4 (MANE Select); coding-DNA position 7, one base deleted (A; older notation c.7delA).
Protein change: p.Thr3fs; shifts the reading frame from threonine 3.
Molecular consequence: frameshift variant.
Genome position (GRCh38, 1-based): chr21:44,286,013, A deleted. VCF-style (leftmost placement, unchanged base first): chr21-44286012-GA-G. GRCh37 (hg19) VCF-style: chr21-45705895-GA-G.
Other names: short protein forms T3fs.
Identifiers: ClinVar variation 4533298 (VCV004533298.1).

ClinVar aggregate classification (germline): Pathogenic (1 of 4 stars; one submission).

Conditions:
Polyglandular autoimmune syndrome, type 1 (APS1). Also called: HYPOADRENOCORTICISM WITH HYPOPARATHYROIDISM AND SUPERFICIAL MONILIASIS; PGA I; AUTOIMMUNE POLYENDOCRINE SYNDROME, TYPE I, WITH OR WITHOUT REVERSIBLE METAPHYSEAL DYSPLASIA; APS I; Autoimmune polyendocrinopathy syndrome, type I; Autoimmune polyendocrinopathy syndrome , type I, with or without reversible metaphyseal dysplasia. Identifiers: Orphanet 3453, MedGen C0085859, MONDO:0009411, OMIM 240300.

Submission:

Institute of Human Genetics, University of Leipzig Medical Center
Classification: Pathogenic for Polyglandular autoimmune syndrome, type 1. Last evaluated: 2025-11-03. Review status: criteria provided, single submitter. Criteria: ACMG Guidelines, 2015. Collection method: clinical testing. Allele origin: maternal. Inheritance: Autosomal recessive inheritance. Affected: yes.
Comment: Criteria applied: PVS1,PM3,PM2